The following is an entry in ClinVar:

GRCh38/hg38 3q29(chr3:195951024-197620100)x1

Genes: BDH1 (3-hydroxybutyrate dehydrogenase 1), CEP19 (centrosomal protein 19; minus strand), DLG1 (discs large MAGUK scaffold protein 1; minus strand), DLG1-AS1 (DLG1 antisense RNA 1; plus strand), DYNLT2B (dynein light chain Tctex-type 2B; minus strand) and 110 more. Cytogenetic location: 3q29.
Variant type: copy number loss.
Change: copy number 1 (one copy instead of two) of chr3:195,951,024-197,620,100 (1.67 Mb, GRCh38 coordinates, 1-based), cytogenetic band 3q29.
Identifiers: ClinVar variation 4852023 (VCV004852023.1).

ClinVar aggregate classification (germline): Pathogenic (1 of 4 stars; one submission).

Submission:

Clinical Genomics Laboratory, Laboratory for Precision Diagnostics, University of Washington
Classification: Pathogenic. Last evaluated: 2022-01-28. Review status: criteria provided, single submitter. Criteria: ACMG/ClinGen CNV Guidelines, 2019. Collection method: clinical testing. Allele origin: unknown. Affected: yes. Observed: 1 variant allele.
Comment: This is a known recurrent microdeletion. Features of the chromosome 3q29 deletion syndrome are variable, but often include complex congenital heart defects, low birth weight, feeding difficulties and reflux, mild to moderate cognitive disability, neuropsychiatric differences, and distinctive facial features.

Literature cited by the submitters: PubMed 18471269; PubMed 20453639; PubMed 19610115; PubMed 26738761; PubMed 19460468.